The following is an entry in ClinVar:

ClinVar aggregate classification (germline): Uncertain significance (1 of 4 stars; one submission).

Submission:

Labcorp Genetics (formerly Invitae), Labcorp
Classification: Uncertain significance. Last evaluated: 2024-12-10. Review status: criteria provided, single submitter. Criteria: Invitae Variant Classification Sherloc (09022015). Collection method: clinical testing. Allele origin: germline.
Comment: This variant occurs in a non-coding region of the PRPF4 gene. It does not change the encoded amino acid sequence of the PRPF4 protein. This variant is not present in population databases (gnomAD no frequency). This variant has not been reported in the literature in individuals affected with PRPF4-related conditions. In summary, the available evidence is currently insufficient to determine the role of this variant in disease. Therefore, it has been classified as a Variant of Uncertain Significance.

NC_000009.12:g.113275652A>T

Gene: PRPF4 (pre-mRNA splicing tri-snRNP complex factor PRPF4; plus strand). Cytogenetic location: 9q32.
Variant type: single nucleotide variant.
Genome position: GRCh38 VCF-style: chr9-113275652-A-T. GRCh37 (hg19) VCF-style: chr9-116037932-A-T.
Identifiers: ClinVar variation 3726989 (VCV003726989.2).